The following is an entry in ClinVar:

NM_153252.5(BRWD3):c.11C>T (p.Ala4Val)

Gene: BRWD3 (bromodomain and WD repeat domain containing 3; minus strand). Cytogenetic location: Xq21.1.
Variant type: single nucleotide variant.
Coding change: c.11C>T on transcript NM_153252.5 (MANE Select); coding-DNA position 11, C replaced by T.
Protein change: p.Ala4Val; replaces alanine 4 with valine.
Molecular consequence: missense variant.
Genome position (GRCh38, 1-based): chrX:80,809,461, G>A on the plus strand (C>T on the coding strand, the complement: BRWD3 is on the minus strand). VCF-style: chrX-80809461-G-A. GRCh37 (hg19) VCF-style: chrX-80064960-G-A.
Other names: short protein forms A4V.
Identifiers: ClinVar variation 1805483 (VCV001805483.3), dbSNP rs370428229, ClinGen allele CA331835828.

ClinVar aggregate classification (germline): Uncertain significance. Review status: criteria provided, multiple submitters, no conflicts (2 of 4 stars). 2 submissions from 2 submitters: Uncertain significance (2). Last evaluated 2024-06-26.

Conditions:
Intellectual developmental disorder, X-linked 93. Also called: MENTAL RETARDATION, X-LINKED, WITH MACROCEPHALY; Intellectual disability, X-linked 93. Identifiers: MedGen C1970841, MONDO:0010393, OMIM 300659.

Allele frequency attached by ClinVar (database versions not stated): ESP Exome Variant Server 0.00010; TOPMed 0.00006; gnomAD 0.00007.
gnomAD v4.1: 49 of 1,166,038 alleles (0.0042%); highest among the groups gnomAD compares: African/African-American, 0.016%; no homozygotes.

Submissions (2):

Labcorp Genetics (formerly Invitae), Labcorp
Classification: Uncertain significance. Last evaluated: 2024-06-26. Review status: criteria provided, single submitter. Criteria: Invitae Variant Classification Sherloc (09022015). Collection method: clinical testing. Allele origin: germline.
Comment: This sequence change replaces alanine, which is neutral and non-polar, with valine, which is neutral and non-polar, at codon 4 of the BRWD3 protein (p.Ala4Val). The frequency data for this variant in the population databases is considered unreliable, as metrics indicate poor data quality at this position in the gnomAD database. This variant has not been reported in the literature in individuals affected with BRWD3-related conditions. ClinVar contains an entry for this variant (Variation ID: 1805483). Advanced modeling of protein sequence and biophysical properties (such as structural, functional, and spatial information, amino acid conservation, physicochemical variation, residue mobility, and thermodynamic stability) performed at Invitae indicates that this missense variant is not expected to disrupt BRWD3 protein function with a negative predictive value of 95%. In summary, the available evidence is currently insufficient to determine the role of this variant in disease. Therefore, it has been classified as a Variant of Uncertain Significance.

Victorian Clinical Genetics Services, Murdoch Childrens Research Institute
Classification: Uncertain significance for Intellectual developmental disorder, X-linked 93. Last evaluated: 2020-05-21. Review status: criteria provided, single submitter. Criteria: ACMG Guidelines, 2015. Collection method: clinical testing. Allele origin: germline. Inheritance: X-linked recessive inheritance.
Comment: Based on the classification scheme VCGS_Germline_v1.1.1, this variant is classified as 3C-VUS. Following criteria are met: 0102 - Loss-of-function is a known mechanism of disease for this gene. (N) 0109 - This gene is known to be associated with X-linked recessive disease (OMIM), however female carriers have been reported with mild symptoms (PMID:30628072; PMID:17668385). (N) 0200 - Variant is predicted to result in a missense amino acid change from alanine to valine (exon 1). (N) 0251 - Variant is heterozygous. (N) 0302 - Variant is present in gnomAD <0.001 for a dominant condition (0 heterozygous, 0 homozygous, 1 hemizygous). (P) 0503 - Missense variant consistently predicted to be tolerated or not conserved in mammals with a minor amino acid change. (B) 0604 - Variant is not located in an established domain, motif, hotspot or informative constraint region. (N) 0705 - No comparable variants have previous evidence for pathogenicity. (N) 0807 - Variant has not previously been reported in a clinical context. (N) 0905 - No segregation evidence has been identified for this variant. (N) 1007 - No published functional evidence has been identified for this variant. (N) Legend: (P) - Pathogenic, (N) - Neutral, (B) - Benign

Literature cited by the submitters: PubMed 17668385 (cited by Victorian Clinical Genetics Services, Murdoch Childrens Research Institute); PubMed 30628072 (cited by Victorian Clinical Genetics Services, Murdoch Childrens Research Institute).